The following is an entry in ClinVar:

NM_006206.6(PDGFRA):c.2324-20A>G

Gene: PDGFRA (platelet derived growth factor receptor alpha; plus strand). Cytogenetic location: 4q12.
Variant type: single nucleotide variant.
Coding change: c.2324-20A>G on transcript NM_006206.6 (MANE Select); 20 bases into the intron before coding-DNA position 2324, A replaced by G.
Molecular consequence: intron variant.
Genome position (GRCh38, 1-based): chr4:54,285,351, A>G. VCF-style: chr4-54285351-A-G. GRCh37 (hg19) VCF-style: chr4-55151518-A-G.
Other names: c.2399-20A>G (NM_001347828.2); c.2324-20A>G (NM_001347829.2); c.2363-20A>G (NM_001347830.2).
Identifiers: ClinVar variation 2167670 (VCV002167670.5), dbSNP rs755486243, ClinGen allele CA2922834.
Genomic context (GRCh38, chr4:54,285,351, plus strand): 5'-GTGTTCTTTGGGCATGCCTCTGCAACCTGATGATTTCCTGCTGCCTGCCAGCACCAATAC[A>G]TTTAATTTCTTTTCTGCAGACTCAGAAGTCAAAAACCTCCTTTCAGATGATAACTCAGAA-3'

ClinVar aggregate classification (germline): Likely benign. Review status: criteria provided, multiple submitters, no conflicts (2 of 4 stars). 2 submissions from 2 submitters: Likely benign (2). Last evaluated 2026-06-15.

Conditions:
Gastrointestinal stromal tumor. Also called: Gastrointestinal stroma tumor; Gastrointestinal stromal tumor, somatic. Identifiers: Orphanet 44890, MedGen C0238198, MeSH D046152, MONDO:0011719, OMIM 606764, HP:0100723.
Polyps, multiple and recurrent inflammatory fibroid, gastrointestinal. Identifiers: MedGen C5193005, MONDO:0008285, OMIM 175510.

Allele frequency attached by ClinVar (database versions not stated): gnomAD exomes below 0.00001; ExAC 0.00001; gnomAD 0.00001.
gnomAD v4.1: 3 of 947,986 alleles (0.00032%); highest among the groups gnomAD compares: Non-Finnish European, 0.00052%; no homozygotes.

Submissions (2):

Myriad Genetics, Inc.
Classification: Likely benign for Polyps, multiple and recurrent inflammatory fibroid, gastrointestinal. Last evaluated: 2026-06-15. Review status: criteria provided, single submitter. Criteria: Myriad Autosomal Dominant, Autosomal Recessive and X-Linked Classification Criteria (2023). Collection method: clinical testing. Allele origin: unknown.
Comment: This variant is considered likely benign. This variant is intronic and is not expected to impact mRNA splicing.

Labcorp Genetics (formerly Invitae), Labcorp
Classification: Likely benign for Gastrointestinal stromal tumor. Last evaluated: 2025-08-07. Review status: criteria provided, single submitter. Criteria: Invitae Variant Classification Sherloc (09022015). Collection method: clinical testing. Allele origin: germline.